The following is an entry in ClinVar:

NM_000124.4(ERCC6):c.814G>A (p.Glu272Lys)

Gene: ERCC6 (ERCC excision repair 6, chromatin remodeling factor; minus strand). Cytogenetic location: 10q11.23.
Variant type: single nucleotide variant.
Coding change: c.814G>A on transcript NM_000124.4 (MANE Select); coding-DNA position 814, G replaced by A.
Protein change: p.Glu272Lys; replaces glutamic acid 272 with lysine.
Molecular consequence: missense variant.
Genome position (GRCh38, 1-based): chr10:49,524,616, C>T on the plus strand (G>A on the coding strand, the complement: ERCC6 is on the minus strand). VCF-style: chr10-49524616-C-T. GRCh37 (hg19) VCF-style: chr10-50732662-C-T.
Other names: p.Glu272Lys; c.814G>A, p.Glu272Lys (NM_001277058.2, NM_001277059.2, NM_001346440.2); short protein forms E272K.
Identifiers: ClinVar variation 877820 (VCV000877820.12), dbSNP rs768589918, ClinGen allele CA5496431.
Genomic context (GRCh38, chr10:49,524,616, plus strand): 5'-TATTACAACCTTGCTTCTTCCTTTCAAAAGACAGTTTTGCTTGATCTGCCAAATACTTTT[C>T]GAAGCCTGATGCTTCATTAAGCATGATTTTTCTGGGCTTTTTCTCCTGTTTCTGAGGGAT-3'
Protein context (NP_000115.1, residues 262-282): KIMLNEASGF[Glu272Lys]KYLADQAKLS

ClinVar aggregate classification (germline): Uncertain significance. Review status: criteria provided, multiple submitters, no conflicts (2 of 4 stars). 6 submissions from 4 submitters: Uncertain significance (5). 1 of the submissions does not count toward it. Last evaluated 2025-08-12.

Conditions:
Cockayne syndrome type 2 (CSB). Also called: COCKAYNE SYNDROME B; Cockayne Syndrome, Type II. Identifiers: Orphanet 191, Orphanet 90322, MedGen C0751038, MONDO:0019570, OMIM 133540.
Age related macular degeneration 5. Identifiers: MedGen C3151063, MONDO:0013409, OMIM 613761.
Cerebrooculofacioskeletal syndrome 1 (COFS1). Also called: Cerebro-oculo-facio-skeletal syndrome 1. Identifiers: MedGen C0220722, MONDO:0008955, OMIM 214150.
Genetic non-acquired premature ovarian failure. Identifiers: Orphanet 485382, MedGen C5925042.

Allele frequency attached by ClinVar (database versions not stated): gnomAD 0.00001; gnomAD exomes 0.00001; ExAC 0.00002; TOPMed 0.00002.
gnomAD v4.1: 16 of 1,614,028 alleles (0.00099%); highest among the groups gnomAD compares: East Asian, 0.0022%; no homozygotes.

Submissions (6):

Labcorp Genetics (formerly Invitae), Labcorp
Classification: Uncertain significance. Last evaluated: 2025-08-12. Review status: criteria provided, single submitter. Criteria: Invitae Variant Classification Sherloc (09022015). Collection method: clinical testing. Allele origin: germline.
Comment: This sequence change replaces glutamic acid, which is acidic and polar, with lysine, which is basic and polar, at codon 272 of the ERCC6 protein (p.Glu272Lys). This variant is present in population databases (rs768589918, gnomAD 0.003%). This missense change has been observed in individual(s) with premature ovarian insufciency (PMID: 36793102). ClinVar contains an entry for this variant (Variation ID: 877820). Invitae Evidence Modeling of protein sequence and biophysical properties (such as structural, functional, and spatial information, amino acid conservation, physicochemical variation, residue mobility, and thermodynamic stability) indicates that this missense variant is not expected to disrupt ERCC6 protein function with a negative predictive value of 95%. In summary, the available evidence is currently insufficient to determine the role of this variant in disease. Therefore, it has been classified as a Variant of Uncertain Significance.

Mayo Clinic Laboratories, Mayo Clinic
Classification: Uncertain significance. Last evaluated: 2022-04-13. Review status: criteria provided, single submitter. Criteria: ACMG Guidelines, 2015. Collection method: clinical testing. Allele origin: germline. Observed: 1 variant allele.
Comment: BP4

Illumina Laboratory Services, Illumina
Classification: Uncertain significance for Age related macular degeneration 5. Last evaluated: 2018-01-13. Review status: criteria provided, single submitter. Criteria: ICSL Variant Classification Criteria 13 December 2019. Collection method: clinical testing. Allele origin: germline.

Illumina Laboratory Services, Illumina
Classification: Uncertain significance for Cerebrooculofacioskeletal syndrome 1. Last evaluated: 2018-01-13. Review status: criteria provided, single submitter. Criteria: ICSL Variant Classification Criteria 13 December 2019. Collection method: clinical testing. Allele origin: germline.

Illumina Laboratory Services, Illumina
Classification: Uncertain significance for Cockayne syndrome type 2. Last evaluated: 2018-01-13. Review status: criteria provided, single submitter. Criteria: ICSL Variant Classification Criteria 13 December 2019. Collection method: clinical testing. Allele origin: germline.

Center for Reproductive Medicine, Shandong Provincial Hospital Affiliated to Shandong University
Classification: Likely pathogenic for Genetic non-acquired premature ovarian failure. Last evaluated: 2019-10-01. Review status: no assertion criteria provided. Collection method: research. Allele origin: unknown. Affected: yes. Observed: 1 variant allele. Not counted in ClinVar's aggregate classification.

Literature cited by the submitters: PubMed 36793102 (cited by Labcorp Genetics (formerly Invitae), Labcorp).